The following is an entry in ClinVar:

ClinVar aggregate classification (germline): Likely pathogenic (1 of 4 stars; one submission).

Submission:

Dasa
Classification: Likely pathogenic. Last evaluated: 2025-01-15. Review status: criteria provided, single submitter. Criteria: DASA Assertion Criteria. Collection method: clinical testing. Allele origin: germline.
Comment: NM_020061.6(OPN1LW):c.409+1G>A affects a canonical splice site and is predicted to disrupt normal RNA splicing. Loss of function is an established disease mechanism for OPN1LW-associated disorders. Also, this variant is absent from population databases. Based on the currently available evidence, this variant is classified as likely pathogenic.

NM_020061.6(OPN1LW):c.409+1G>A

Gene: OPN1LW (opsin 1, long wave sensitive; plus strand). Cytogenetic location: Xq28.
Variant type: single nucleotide variant.
Coding change: c.409+1G>A on transcript NM_020061.6 (MANE Select); the canonical splice donor site of the intron after coding-DNA position 409, G replaced by A.
Molecular consequence: splice donor variant.
Genome position (GRCh38, 1-based): chrX:154,150,953, G>A. VCF-style: chrX-154150953-G-A. GRCh37 (hg19) VCF-style: chrX-153416425-G-A.
Identifiers: ClinVar variation 4882733 (VCV004882733.2).